The following is an entry in ClinVar:

NM_015662.3(IFT172):c.5045G>A (p.Arg1682Gln)

Genes: IFT172 (intraflagellar transport 172; minus strand), KRTCAP3 (keratinocyte associated protein 3; plus strand). Cytogenetic location: 2p23.3.
Variant type: single nucleotide variant.
Coding change: c.5045G>A on transcript NM_015662.3 (MANE Select); coding-DNA position 5045, G replaced by A.
Protein change: p.Arg1682Gln; replaces arginine 1682 with glutamine.
Molecular consequence: missense variant. On other transcripts: intron variant (1).
Genome position (GRCh38, 1-based): chr2:27,445,319, C>T on the plus strand (G>A on the coding strand, the complement: IFT172 is on the minus strand). VCF-style: chr2-27445319-C-T. GRCh37 (hg19) VCF-style: chr2-27668186-C-T.
Other names: c.4979G>A, p.Arg1660Gln (NM_001410739.1); c.*6-982C>T (NM_001168364.2); short protein forms R1682Q, R1660Q.
Identifiers: ClinVar variation 836762 (VCV000836762.8), dbSNP rs773691500, ClinGen allele CA1579383.

ClinVar aggregate classification (germline): Uncertain significance. Review status: criteria provided, multiple submitters, no conflicts (2 of 4 stars). 3 submissions from 3 submitters: Uncertain significance (3). Last evaluated 2026-07-20.

Conditions:
IFT172-related disorder. Also called: IFT172-related disorders; IFT172-related condition.
Retinitis pigmentosa 71 (RP71). Identifiers: Orphanet 791, MedGen C4225342, MONDO:0014618, OMIM 616394.
Short-rib thoracic dysplasia 10 with or without polydactyly (SRTD10). Identifiers: Orphanet 474, MedGen C3810175, MONDO:0014284, OMIM 615630.

Allele frequency attached by ClinVar (database versions not stated): gnomAD exomes 0.00003; TOPMed 0.00001; ExAC 0.00003.
gnomAD v4.1: 26 of 1,612,880 alleles (0.0016%); highest among the groups gnomAD compares: South Asian, 0.0088%; no homozygotes.

Submissions (3):

PreventionGenetics, part of Exact Sciences
Classification: Uncertain significance for IFT172-related condition. Last evaluated: 2026-07-20. Review status: criteria provided, single submitter. Criteria: ACMG Guidelines, 2015. Collection method: clinical testing. Allele origin: germline.
Comment: The IFT172 c.5045G>A variant is predicted to result in the amino acid substitution p.Arg1682Gln. To our knowledge, this variant has not been reported in the literature. This variant is reported in 0.013% of alleles in individuals of South Asian descent in gnomAD. At this time, the clinical significance of this variant is uncertain due to the absence of conclusive functional and genetic evidence.

Labcorp Genetics (formerly Invitae), Labcorp
Classification: Uncertain significance for Retinitis pigmentosa 71; Short-rib thoracic dysplasia 10 with or without polydactyly. Last evaluated: 2022-10-17. Review status: criteria provided, single submitter. Criteria: Invitae Variant Classification Sherloc (09022015). Collection method: clinical testing. Allele origin: germline.
Comment: This sequence change replaces arginine, which is basic and polar, with glutamine, which is neutral and polar, at codon 1682 of the IFT172 protein (p.Arg1682Gln). This variant is present in population databases (rs773691500, gnomAD 0.01%). This variant has not been reported in the literature in individuals affected with IFT172-related conditions. ClinVar contains an entry for this variant (Variation ID: 836762). Advanced modeling of protein sequence and biophysical properties (such as structural, functional, and spatial information, amino acid conservation, physicochemical variation, residue mobility, and thermodynamic stability) performed at Invitae indicates that this missense variant is not expected to disrupt IFT172 protein function. In summary, the available evidence is currently insufficient to determine the role of this variant in disease. Therefore, it has been classified as a Variant of Uncertain Significance.

GeneDx
Classification: Uncertain significance. Last evaluated: 2022-09-30. Review status: criteria provided, single submitter. Criteria: GeneDx Variant Classification Process June 2021. Collection method: clinical testing. Allele origin: germline. Affected: yes.
Comment: Not observed at significant frequency in large population cohorts (gnomAD); In silico analysis supports that this missense variant does not alter protein structure/function; Has not been previously published as pathogenic or benign to our knowledge